The following is an entry in ClinVar:

NM_006096.4(NDRG1):c.10G>A (p.Glu4Lys)

Gene: NDRG1 (N-myc downstream regulated 1; minus strand). Cytogenetic location: 8q24.22.
Variant type: single nucleotide variant.
Coding change: c.10G>A on transcript NM_006096.4 (MANE Select); coding-DNA position 10, G replaced by A.
Protein change: p.Glu4Lys; replaces glutamic acid 4 with lysine.
Molecular consequence: missense variant. On other transcripts: 5 prime UTR variant (1), intron variant (2).
Genome position (GRCh38, 1-based): chr8:133,284,302, C>T on the plus strand (G>A on the coding strand, the complement: NDRG1 is on the minus strand). VCF-style: chr8-133284302-C-T. GRCh37 (hg19) VCF-style: chr8-134296545-C-T.
Other names: c.10G>A, p.Glu4Lys (NM_001135242.2, NM_001374844.1, NM_001374845.1 and 1 more transcripts); c.-128G>A (NM_001258433.2); c.-100+12832G>A (NM_001258432.2); c.-135-4035G>A (NM_001374847.1); short protein forms E4K.
Identifiers: ClinVar variation 945978 (VCV000945978.4), dbSNP rs1857979450, ClinGen allele CA372248960.
Genomic context (GRCh38, chr8:133,284,302, plus strand): 5'-CACTCACCTCCCCTTTCTCCACCAAAGGCTTCACCTCAGCGAGGTCTACATCCTGCATCT[C>T]CCGAGACATGTCCCTGCTGTCACCTGCCTGCAAGGAGACAAAGGCCAAAAGGTCAACACT-3'
Protein context (NP_006087.2, residues 1-14): MSR[Glu4Lys]MQDVDLAEVK

ClinVar aggregate classification (germline): Uncertain significance (1 of 4 stars; one submission).

Conditions:
Charcot-Marie-Tooth disease type 4. Also called: Charcot-Marie-Tooth disease, type IV; Charcot-Marie-Tooth, Type 4. Identifiers: Orphanet 64749, MedGen C4082197, MONDO:0018995.

Allele frequency attached by ClinVar (database versions not stated): gnomAD exomes below 0.00001.
gnomAD v4.1: 1 of 1,614,186 alleles (0.000062%); highest among the groups gnomAD compares: Non-Finnish European, 0.000085%; no homozygotes.

Submission:

Labcorp Genetics (formerly Invitae), Labcorp
Classification: Uncertain significance for Charcot-Marie-Tooth disease type 4. Last evaluated: 2021-08-27. Review status: criteria provided, single submitter. Criteria: Invitae Variant Classification Sherloc (09022015). Collection method: clinical testing. Allele origin: germline.
Comment: This sequence change replaces glutamic acid with lysine at codon 4 of the NDRG1 protein (p.Glu4Lys). The glutamic acid residue is moderately conserved and there is a small physicochemical difference between glutamic acid and lysine. This variant is not present in population databases (ExAC no frequency). This variant has not been reported in the literature in individuals affected with NDRG1-related conditions. Algorithms developed to predict the effect of missense changes on protein structure and function (SIFT, PolyPhen-2, Align-GVGD) all suggest that this variant is likely to be tolerated. In summary, the available evidence is currently insufficient to determine the role of this variant in disease. Therefore, it has been classified as a Variant of Uncertain Significance.